The following is an entry in ClinVar:

ClinVar aggregate classification (germline): Uncertain significance. Review status: criteria provided, multiple submitters, no conflicts (2 of 4 stars). 5 submissions from 5 submitters: Uncertain significance (5). Last evaluated 2024-04-25.

Conditions:
Inborn genetic diseases. Identifiers: MedGen C0950123, MeSH D030342.
Polycystic liver disease 1 (PCLD1). Also called: Polycystic liver disease 1 with or without kidney cysts. Identifiers: Orphanet 2924, MedGen C0887850, MONDO:0008265, OMIM 174050.

Allele frequency attached by ClinVar (database versions not stated): ExAC 0.00002; TOPMed 0.00002; gnomAD exomes 0.00003; gnomAD 0.00007 and 0.00008.
gnomAD v4.1: 40 of 1,614,028 alleles (0.0025%); highest among the groups gnomAD compares: Non-Finnish European, 0.0032%; no homozygotes.

Submissions (5):

Fulgent Genetics
Classification: Uncertain significance for Polycystic liver disease 1. Last evaluated: 2024-04-25. Review status: criteria provided, single submitter. Criteria: ACMG Guidelines, 2015. Collection method: clinical testing. Allele origin: germline.

Ambry Genetics
Classification: Uncertain significance for Inborn genetic diseases. Last evaluated: 2023-07-25. Review status: criteria provided, single submitter. Criteria: Ambry Variant Classification Scheme 2023. Collection method: clinical testing. Allele origin: germline.

Blueprint Genetics
Classification: Uncertain significance. Last evaluated: 2023-04-28. Review status: criteria provided, single submitter. Criteria: ACMG Guidelines, 2015. Collection method: clinical testing. Allele origin: germline.

GeneDx
Classification: Uncertain significance. Last evaluated: 2021-02-03. Review status: criteria provided, single submitter. Criteria: GeneDx Variant Classification Process June 2021. Collection method: clinical testing. Allele origin: germline. Affected: yes.
Comment: In silico analysis supports that this missense variant has a deleterious effect on protein structure/function; Has not been previously published as pathogenic or benign to our knowledge

CeGaT Center for Human Genetics Tuebingen
Classification: Uncertain significance. Last evaluated: 2020-04-01. Review status: criteria provided, single submitter. Criteria: CeGaT Center For Human Genetics Tuebingen Variant Classification Criteria Version 2. Collection method: clinical testing. Allele origin: germline. Affected: yes. Observed: 1 variant allele.

NM_001289104.2(PRKCSH):c.1343G>A (p.Gly448Asp)

Gene: PRKCSH (PRKCSH beta subunit of glucosidase II; plus strand). Cytogenetic location: 19p13.2.
Variant type: single nucleotide variant.
Coding change: c.1343G>A on transcript NM_001289104.2 (MANE Select); coding-DNA position 1343, G replaced by A.
Protein change: p.Gly448Asp; replaces glycine 448 with aspartic acid.
Molecular consequence: missense variant.
Genome position (GRCh38, 1-based): chr19:11,448,970, G>A. VCF-style: chr19-11448970-G-A. GRCh37 (hg19) VCF-style: chr19-11559785-G-A.
Other names: c.1313G>A, p.Gly438Asp (NM_001001329.3, NM_001289102.2, NM_001379609.1); c.1343G>A, p.Gly448Asp (NM_001289103.2); c.1322G>A, p.Gly441Asp (NM_001379608.1, NM_002743.3); c.1322G>A (NM_002743.2); short protein forms G438D, G441D, G448D.
Identifiers: ClinVar variation 932690 (VCV000932690.45), dbSNP rs201614230, ClinGen allele CA9213279.